The following is an entry in ClinVar:

NM_000548.5(TSC2):c.5266_5276delinsCTTCAGAT (p.Glu1756_Ala1759delinsLeuGlnIle)

Gene: TSC2 (TSC complex subunit 2; plus strand). Cytogenetic location: 16p13.3.
Variant type: Indel.
Coding change: c.5266_5276delinsCTTCAGAT on transcript NM_000548.5 (MANE Select); coding-DNA positions 5266 to 5276, GAGGAAGCCGC replaced by CTTCAGAT.
Protein change: p.Glu1756_Ala1759delinsLeuGlnIle.
Molecular consequence: inframe indel.
Genome position (GRCh38, 1-based): chr16:2,088,452-2,088,462, GAGGAAGCCGC replaced by CTTCAGAT. VCF-style: chr16-2088452-GAGGAAGCCGC-CTTCAGAT. GRCh37 (hg19) VCF-style: chr16-2138453-GAGGAAGCCGC-CTTCAGAT.
Other names: c.5065_5075delinsCTTCAGAT, p.Glu1689_Ala1692delinsLeuGlnIle (NM_001077183.3); c.5197_5207delinsCTTCAGAT, p.Glu1733_Ala1736delinsLeuGlnIle (NM_001114382.3); c.4957_4967delinsCTTCAGAT, p.Glu1653_Ala1656delinsLeuGlnIle (NM_001318827.2); c.4921_4931delinsCTTCAGAT, p.Glu1641_Ala1644delinsLeuGlnIle (NM_001318829.2); c.4534_4544delinsCTTCAGAT, p.Glu1512_Ala1515delinsLeuGlnIle (NM_001318831.2); c.5098_5108delinsCTTCAGAT, p.Glu1700_Ala1703delinsLeuGlnIle (NM_001318832.2); c.5068_5078delinsCTTCAGAT, p.Glu1690_Ala1693delinsLeuGlnIle (NM_001363528.2); c.5134_5144delinsCTTCAGAT, p.Glu1712_Ala1715delinsLeuGlnIle (NM_001370404.1); and 27 more.
Identifiers: ClinVar variation 1917216 (VCV001917216.5), dbSNP rs2544510225, ClinGen allele CA2580091180.

ClinVar aggregate classification (germline): Uncertain significance (1 of 4 stars; one submission).

Conditions:
Tuberous sclerosis 2 (TSC2). Identifiers: Orphanet 805, MedGen C1860707, MONDO:0013199, OMIM 613254.

Submission:

Labcorp Genetics (formerly Invitae), Labcorp
Classification: Uncertain significance for Tuberous sclerosis 2. Last evaluated: 2022-02-28. Review status: criteria provided, single submitter. Criteria: Invitae Variant Classification Sherloc (09022015). Collection method: clinical testing. Allele origin: germline.
Comment: In summary, the available evidence is currently insufficient to determine the role of this variant in disease. Therefore, it has been classified as a Variant of Uncertain Significance. Experimental studies and prediction algorithms are not available or were not evaluated, and the functional significance of this variant is currently unknown. This variant has not been reported in the literature in individuals affected with TSC2-related conditions. Information on the frequency of this variant in the gnomAD database is not available, as this variant may be reported differently in the database. This variant, c.5266_5276delinsCTTCAGAT, is a complex sequence change that results in the deletion of 4 and insertion of 3 amino acid(s) in the TSC2 protein (p.Glu1756_Ala1759delinsLeuGlnIle).